The following is an entry in ClinVar:

NM_000038.6(APC):c.913A>G (p.Thr305Ala)

Gene: APC (APC regulator of Wnt signaling pathway; plus strand). Cytogenetic location: 5q22.2.
Variant type: single nucleotide variant.
Coding change: c.913A>G on transcript NM_000038.6 (MANE Select); coding-DNA position 913, A replaced by G.
Protein change: p.Thr305Ala; replaces threonine 305 with alanine.
Molecular consequence: missense variant.
Genome position (GRCh38, 1-based): chr5:112,815,573, A>G. VCF-style: chr5-112815573-A-G. GRCh37 (hg19) VCF-style: chr5-112151270-A-G.
Other names: c.913A>G, p.Thr305Ala (NM_001127510.3, NM_001354895.2, NM_001354896.2 and 1 more transcripts); c.859A>G, p.Thr287Ala (NM_001127511.3); c.943A>G, p.Thr315Ala (NM_001354897.2, NM_001354902.2); c.838A>G, p.Thr280Ala (NM_001354898.2, NM_001354904.2); c.829A>G, p.Thr277Ala (NM_001354899.2); c.736A>G, p.Thr246Ala (NM_001354900.2, NM_001354901.2, NM_001354905.2); c.64A>G, p.Thr22Ala (NM_001354906.2); short protein forms T277A, T280A, T315A, T22A, T246A, T287A, T305A.
Identifiers: ClinVar variation 641402 (VCV000641402.12), dbSNP rs1580512372, ClinGen allele CA16023309.

ClinVar aggregate classification (germline): Uncertain significance. Review status: criteria provided, multiple submitters, no conflicts (2 of 4 stars). 3 submissions from 3 submitters: Uncertain significance (3). Last evaluated 2025-04-27.

Conditions:
Classic or attenuated familial adenomatous polyposis. Identifiers: MedGen CN372698, MONDO:0021057.
Hereditary cancer-predisposing syndrome. Also called: Neoplastic Syndromes, Hereditary; Tumor predisposition; Hereditary Cancer Syndrome; Hereditary neoplastic syndrome. Identifiers: Orphanet 140162, MedGen C0027672, MeSH D009386, MONDO:0015356.
Familial adenomatous polyposis 1 (FAP1). Also called: POLYPOSIS, ADENOMATOUS INTESTINAL; FAMILIAL ADENOMATOUS POLYPOSIS 1, ATTENUATED. Identifiers: MedGen C2713442, MONDO:0021056, OMIM 175100. Disease mechanism: loss of function.

Allele frequency attached by ClinVar (database versions not stated): gnomAD exomes below 0.00001.
gnomAD v4.1: 1 of 1,611,478 alleles (0.000062%); highest among the groups gnomAD compares: Non-Finnish European, 0.000085%; no homozygotes.

Submissions (3):

Labcorp Genetics (formerly Invitae), Labcorp
Classification: Uncertain significance for Familial adenomatous polyposis 1. Last evaluated: 2025-04-27. Review status: criteria provided, single submitter. Criteria: Invitae Variant Classification Sherloc (09022015). Collection method: clinical testing. Allele origin: germline.
Comment: This sequence change replaces threonine, which is neutral and polar, with alanine, which is neutral and non-polar, at codon 305 of the APC protein (p.Thr305Ala). This variant is not present in population databases (gnomAD no frequency). This variant has not been reported in the literature in individuals affected with APC-related conditions. ClinVar contains an entry for this variant (Variation ID: 641402). Invitae Evidence Modeling of protein sequence and biophysical properties (such as structural, functional, and spatial information, amino acid conservation, physicochemical variation, residue mobility, and thermodynamic stability) indicates that this missense variant is not expected to disrupt APC protein function with a negative predictive value of 95%. In summary, the available evidence is currently insufficient to determine the role of this variant in disease. Therefore, it has been classified as a Variant of Uncertain Significance.

Ambry Genetics
Classification: Uncertain significance for Hereditary cancer-predisposing syndrome. Last evaluated: 2023-12-15. Review status: criteria provided, single submitter. Criteria: Ambry Variant Classification Scheme 2023. Collection method: clinical testing. Allele origin: germline.
Comment: The p.T305A variant (also known as c.913A>G), located in coding exon 8 of the APC gene, results from an A to G substitution at nucleotide position 913. The threonine at codon 305 is replaced by alanine, an amino acid with similar properties. This amino acid position is highly conserved in available vertebrate species. In addition, in silico predictors for this gene do not accurately predict pathogenicity. Since supporting evidence is limited at this time, the clinical significance of this alteration remains unclear.

All of Us Research Program, National Institutes of Health
Classification: Uncertain significance for Classic or attenuated familial adenomatous polyposis. Last evaluated: 2023-10-02. Review status: criteria provided, single submitter. Criteria: ACMG Guidelines, 2015. Collection method: clinical testing. Allele origin: germline. Inheritance: Autosomal dominant inheritance. Observed: 1 variant allele, 1 heterozygote.
Comment: This missense variant replaces threonine with alanine at codon 305 of the APC protein. Computational prediction suggests that this variant may not impact protein structure and function (internally defined REVEL score threshold <= 0.5, PMID: 27666373). To our knowledge, functional studies have not been reported for this variant. This variant has not been reported in individuals affected with APC-related disorders in the literature. This variant has not been identified in the general population by the Genome Aggregation Database (gnomAD). The available evidence is insufficient to determine the role of this variant in disease conclusively. Therefore, this variant is classified as a Variant of Uncertain Significance.

This study involves interpretation of variants in research participants for the purpose of population health screening. Participant phenotype was not available at the time of variant classification. Additional details can be found in publication PMID: 35346344, PMCID: PMC8962531